The following is an entry in ClinVar:

NM_015046.7(SETX):c.*1370G>C

Gene: SETX (senataxin; minus strand). Cytogenetic location: 9q34.13.
Variant type: single nucleotide variant.
Coding change: c.*1370G>C on transcript NM_015046.7 (MANE Select); 1370 bases downstream of the stop codon, G replaced by C.
Molecular consequence: 3 prime UTR variant.
Genome position (GRCh38, 1-based): chr9:132,262,869, C>G on the plus strand (G>C on the coding strand, the complement: SETX is on the minus strand). VCF-style: chr9-132262869-C-G. GRCh37 (hg19) VCF-style: chr9-135138256-C-G.
Other names: c.*1370G>C (NM_001351527.2, NM_001351528.2).
Identifiers: ClinVar variation 914990 (VCV000914990.4), dbSNP rs116822064, ClinGen allele CA200792798.

ClinVar aggregate classification (germline): Benign. Review status: criteria provided, single submitter (1 of 4 stars). 2 submissions from 1 submitter: Benign (2). Last evaluated 2018-01-13.

Conditions:
Amyotrophic lateral sclerosis type 4 (ALS4). Also called: NEURONOPATHY, DISTAL HEREDITARY MOTOR, WITH PYRAMIDAL FEATURES; AMYOTROPHIC LATERAL SCLEROSIS 4, JUVENILE. Identifiers: Orphanet 357043, MedGen C1865409, MONDO:0011223, OMIM 602433.
Spinocerebellar ataxia, autosomal recessive, with axonal neuropathy 2 (SCAN2). Also called: Ataxia-ocular apraxia-2; Ataxia with Oculomotor Apraxia; Ataxia with Oculomotor Apraxia Type 2; ATAXIA-OCULOMOTOR APRAXIA 2. Identifiers: Orphanet 64753, MedGen C1853761, MONDO:0018996, OMIM 606002.

Allele frequency attached by ClinVar (database versions not stated): TOPMed 0.00528; 1000 Genomes Project 0.00779; 1000 Genomes Project 30x 0.00812.

Submissions (2):

Illumina Laboratory Services, Illumina
Classification: Benign for Spinocerebellar ataxia, autosomal recessive, with axonal neuropathy 2. Last evaluated: 2018-01-13. Review status: criteria provided, single submitter. Criteria: ICSL Variant Classification Criteria 13 December 2019. Collection method: clinical testing. Allele origin: germline.
Comment: This variant was observed in the ICSL laboratory as part of a predisposition screen in an ostensibly healthy population. It had not been previously curated by ICSL or reported in the Human Gene Mutation Database (HGMD: prior to June 1st, 2018), and was therefore a candidate for classification through an automated scoring system. Utilizing variant allele frequency, disease prevalence and penetrance estimates, and inheritance mode, an automated score was calculated to assess if this variant is too frequent to cause the disease. Based on the score and internal cut-off values, a variant classified as benign is not then subjected to further curation. The score for this variant resulted in a classification of benign for this disease.

Illumina Laboratory Services, Illumina
Classification: Benign for Amyotrophic lateral sclerosis type 4. Last evaluated: 2018-01-13. Review status: criteria provided, single submitter. Criteria: ICSL Variant Classification Criteria 13 December 2019. Collection method: clinical testing. Allele origin: germline.
Comment: the same text as in the submission from Illumina Laboratory Services, Illumina above.